The following is an entry in ClinVar:

ClinVar aggregate classification (germline): Uncertain significance (1 of 4 stars; one submission).

Submission:

CeGaT Center for Human Genetics Tuebingen
Classification: Uncertain significance. Last evaluated: 2026-09-01. Review status: criteria provided, single submitter. Criteria: CeGaT Center For Human Genetics Tuebingen Variant Classification Criteria Version 2. Collection method: clinical testing. Allele origin: germline. Affected: yes. Observed: 1 variant allele.
Comment: TRIM22: PM2, BP4

NM_006074.5(TRIM22):c.73C>T (p.Pro25Ser)

Gene: TRIM22 (tripartite motif containing 22; plus strand). Cytogenetic location: 11p15.4.
Variant type: single nucleotide variant.
Coding change: c.73C>T on transcript NM_006074.5 (MANE Select); coding-DNA position 73, C replaced by T.
Protein change: p.Pro25Ser; replaces proline 25 with serine.
Molecular consequence: missense variant.
Genome position (GRCh38, 1-based): chr11:5,696,305, C>T. VCF-style: chr11-5696305-C-T. GRCh37 (hg19) VCF-style: chr11-5717535-C-T.
Other names: c.73C>T, p.Pro25Ser (NM_001199573.2); short protein forms P25S.
Identifiers: ClinVar variation 5041392 (VCV005041392.1).